The following is an entry in ClinVar:

NM_000238.4(KCNH2):c.562_570dup (p.Ala190_Pro191insAlaGlyAla)

Gene: KCNH2 (potassium voltage-gated channel subfamily H member 2; minus strand). Cytogenetic location: 7q36.1.
Variant type: Duplication.
Coding change: c.562_570dup on transcript NM_000238.4 (MANE Select); coding-DNA positions 562 to 570, 9 bases duplicated (GCGGGCGCC; older notation c.562_570dupGCGGGCGCC).
Protein change: p.Ala190_Pro191insAlaGlyAla.
Molecular consequence: inframe insertion. On other transcripts: inframe indel (5).
Genome position (GRCh38, 1-based): chr7:150,958,405-150,958,413, GGCGCCCGC duplicated on the plus strand (GCGGGCGCC on the coding strand, the reverse complement: KCNH2 is on the minus strand); duplicating any 9 consecutive bases within chr7:150,958,405-150,958,414 gives the same sequence; the c. name uses the placement nearest the transcript's 3' end. VCF-style (leftmost placement, unchanged base first): chr7-150958404-G-GGGCGCCCGC. GRCh37 (hg19) VCF-style: chr7-150655492-G-GGGCGCCCGC.
Other names: c.562_570dupGCGGGCGCC (NM_000238.3); c.273_281dup, p.Ala94_Pro95insAlaGlyAla (NM_001406753.1, NM_001406756.1); c.384_392dup, p.Ala131_Pro132insAlaGlyAla (NM_001406755.1); c.261_269dup, p.Ala90_Pro91insAlaGlyAla (NM_001406757.1); c.561_569dup, p.Ala190_Pro191insAlaGlyAla (NM_172056.3).
Identifiers: ClinVar variation 1424899 (VCV001424899.11), dbSNP rs1309145286, ClinGen allele CA2573141819.

ClinVar aggregate classification (germline): Uncertain significance. Review status: criteria provided, multiple submitters, no conflicts (2 of 4 stars). 2 submissions from 2 submitters: Uncertain significance (2). Last evaluated 2025-12-04.

Conditions:
Cardiovascular phenotype. Identifiers: MedGen CN230736.
Long QT syndrome (LQTS). Identifiers: MedGen C0023976, MeSH D008133, MONDO:0002442. Disease mechanism: loss of function. Inheritance: Various modes of inheritance.

Submissions (2):

Labcorp Genetics (formerly Invitae), Labcorp
Classification: Uncertain significance for Long QT syndrome. Last evaluated: 2025-12-04. Review status: criteria provided, single submitter. Criteria: Invitae Variant Classification Sherloc (09022015). Collection method: clinical testing. Allele origin: germline.
Comment: This variant, c.562_570dup, results in the insertion of 3 amino acid(s) of the KCNH2 protein (p.Ala188_Ala190dup), but otherwise preserves the integrity of the reading frame. This variant is not present in population databases (gnomAD no frequency). This variant has not been reported in the literature in individuals affected with KCNH2-related conditions. ClinVar contains an entry for this variant (Variation ID: 1424899). Experimental studies and prediction algorithms are not available or were not evaluated, and the functional significance of this variant is currently unknown. In summary, the available evidence is currently insufficient to determine the role of this variant in disease. Therefore, it has been classified as a Variant of Uncertain Significance.

Ambry Genetics
Classification: Uncertain significance for Cardiovascular phenotype. Last evaluated: 2024-11-25. Review status: criteria provided, single submitter. Criteria: Ambry Variant Classification Scheme 2023. Collection method: clinical testing. Allele origin: germline.
Comment: The c.562_570dupGCGGGCGCC variant (also known as p.A188_A190dup), located in coding exon 4 of the KCNH2 gene, results from an in-frame duplication of GCGGGCGCC at nucleotide positions 562 to 570. This results in the duplication of 3 extra residues (AGA) between codons 188 and 190. The amino acid positions are well conserved to poorly conserved in available vertebrate species. In addition, the in silico prediction for this alteration is inconclusive (Choi Y et al. PLoS ONE. 2012; 7(10):e46688). Based on the available evidence, the clinical significance of this variant remains unclear.